The following is an entry in ClinVar:

ClinVar aggregate classification (germline): not provided (0 of 4 stars; one submission).

Conditions:
Normal pregnancy. Identifiers: MedGen C0232989.

Submission:

Institute of Molecular and Cell Biology, University of Tartu
No classification provided. Condition: Normal pregnancy. Review status: no classification provided. Collection method: case-control. Allele origin: unknown. Affected: yes. Study: Kasak2014.
Comment: The study aimed to determine the contribution of copy number variants in the genetic etiology of normal and complicated pregnancies. The samples represented (i) maternal blood DNA drawn from healthy pregnant women during 1st or 2nd trimester and (ii) maternal and paternal blood DNA drawn at term pregnancy cases representing normal and complicated gestations (severe preeclampsia, PE; gestational diabetes, GD; small-for-gestational age newborn, SGA; large-for-gestational age newborn, LGA). We performed CNV calling based on genome-wide genotyping dataset (Illumina HumanOmniExpress-24-v1 BeadChip) by applying three algorithms, QuantiSNP, GADA (Genome Alteration Detection Algorithm) and CNstream in parallel. The acquired CNV calls were merged with HD-CNV (Hotspot Detector for Copy Number Variants) program and only the CNVs predicted by at least two programs, were considered in subsequent analysis.

Literature cited by the submitters: PubMed 25666259.

NC_000003.12:g.162413621_162421039del

Variant type: Deletion.
Genome position: GRCh38: chr3:162,413,621-162,421,039. GRCh37 (hg19): chr3:162,131,409-162,138,827.
Identifiers: ClinVar variation 156891 (VCV000156891.3), ClinGen allele CA212053.